The following is an entry in ClinVar:

ClinVar aggregate classification (germline): Uncertain significance (1 of 4 stars; one submission).

Conditions:
Leukodystrophy, hypomyelinating, 19, transient infantile. Identifiers: MedGen C5231463, MONDO:0032871, OMIM 618688.

Allele frequency attached by ClinVar (database versions not stated): 1000 Genomes Project 0.00040; 1000 Genomes Project 30x 0.00047.
gnomAD v4.1: 20 of 1,614,090 alleles (0.0012%); highest among the groups gnomAD compares: Admixed American, 0.005%; no homozygotes.

Submission:

Neuberg Centre For Genomic Medicine, NCGM
Classification: Uncertain significance for Leukodystrophy, hypomyelinating, 19, transient infantile. Review status: criteria provided, single submitter. Criteria: ACMG Guidelines, 2015. Collection method: clinical testing. Allele origin: germline. Inheritance: Autosomal dominant inheritance. Affected: yes.
Comment: The c.887G>A (p.Arg296Gln) missense variant in TMEM63A gene has not been reported previously as a pathogenic variant nor as a benign variant, to our knowledge. The p.Arg296Gln variant is reported with the allele frequency (0.002%) in the gnomAD Exomes and is novel (not in any individuals) in 1000 Genomes. The amino acid Arg at position 296 is changed to a Gln changing protein sequence and it might alter its composition and physico-chemical properties. In silico tools predict the variant to be tolerated. The residue is variable across species. For these reasons, this variant has been classified as Variant of Uncertain Significance (VUS).

NM_014698.3(TMEM63A):c.887G>A (p.Arg296Gln)

Gene: TMEM63A (transmembrane protein 63A; minus strand). Cytogenetic location: 1q42.12.
Variant type: single nucleotide variant.
Coding change: c.887G>A on transcript NM_014698.3 (MANE Select); coding-DNA position 887, G replaced by A.
Protein change: p.Arg296Gln; replaces arginine 296 with glutamine.
Molecular consequence: missense variant.
Genome position (GRCh38, 1-based): chr1:225,862,519, C>T on the plus strand (G>A on the coding strand, the complement: TMEM63A is on the minus strand). VCF-style: chr1-225862519-C-T. GRCh37 (hg19) VCF-style: chr1-226050219-C-T.
Other names: short protein forms R296Q.
Identifiers: ClinVar variation 2585427 (VCV002585427.1), dbSNP rs116456190, ClinGen allele CA1419355.